The following is an entry in ClinVar:

NM_000081.4(LYST):c.2657G>A (p.Arg886Gln)

Gene: LYST (lysosomal trafficking regulator; minus strand). Cytogenetic location: 1q42.3.
Variant type: single nucleotide variant.
Coding change: c.2657G>A on transcript NM_000081.4 (MANE Select); coding-DNA position 2657, G replaced by A.
Protein change: p.Arg886Gln; replaces arginine 886 with glutamine.
Molecular consequence: missense variant.
Genome position (GRCh38, 1-based): chr1:235,806,479, C>T on the plus strand (G>A on the coding strand, the complement: LYST is on the minus strand). VCF-style: chr1-235806479-C-T. GRCh37 (hg19) VCF-style: chr1-235969779-C-T.
Other names: c.2657G>A (NM_000081.2); c.2657G>A, p.Arg886Gln (NM_001301365.1); short protein forms R886Q.
Identifiers: ClinVar variation 1429927 (VCV001429927.8), dbSNP rs200324240, ClinGen allele CA1467239.

ClinVar aggregate classification (germline): Uncertain significance. Review status: criteria provided, multiple submitters, no conflicts (2 of 4 stars). 3 submissions from 3 submitters: Uncertain significance (3). Last evaluated 2025-06-12.

Conditions:
Inborn genetic diseases. Identifiers: MedGen C0950123, MeSH D030342.
Chédiak-Higashi syndrome (CHS). Also called: Chediak-Higashi Syndrome. Identifiers: Orphanet 167, MedGen C0007965, MONDO:0008963, OMIM 214500.

Allele frequency attached by ClinVar (database versions not stated): gnomAD exomes 0.00001; TOPMed 0.00001; gnomAD 0.00002; ExAC 0.00003; 1000 Genomes Project 0.00040; 1000 Genomes Project 30x 0.00078.
gnomAD v4.1: 22 of 1,614,034 alleles (0.0014%); highest among the groups gnomAD compares: Middle Eastern, 0.016%; no homozygotes.

Submissions (3):

Ambry Genetics
Classification: Uncertain significance for Inborn genetic diseases. Last evaluated: 2025-06-12. Review status: criteria provided, single submitter. Criteria: Ambry Variant Classification Scheme 2023. Collection method: clinical testing. Allele origin: germline.

Revvity Omics, Revvity
Classification: Uncertain significance for Chédiak-Higashi syndrome. Last evaluated: 2023-11-03. Review status: criteria provided, single submitter. Criteria: ACMG Guidelines, 2015. Collection method: clinical testing. Allele origin: germline.

Labcorp Genetics (formerly Invitae), Labcorp
Classification: Uncertain significance for Chédiak-Higashi syndrome. Last evaluated: 2022-06-24. Review status: criteria provided, single submitter. Criteria: Invitae Variant Classification Sherloc (09022015). Collection method: clinical testing. Allele origin: germline.
Comment: This sequence change replaces arginine, which is basic and polar, with glutamine, which is neutral and polar, at codon 886 of the LYST protein (p.Arg886Gln). This variant is present in population databases (rs200324240, gnomAD 0.03%). This variant has not been reported in the literature in individuals affected with LYST-related conditions. Algorithms developed to predict the effect of missense changes on protein structure and function output the following: SIFT: "Tolerated"; PolyPhen-2: "Benign"; Align-GVGD: "Class C0". The glutamine amino acid residue is found in multiple mammalian species, which suggests that this missense change does not adversely affect protein function. In summary, the available evidence is currently insufficient to determine the role of this variant in disease. Therefore, it has been classified as a Variant of Uncertain Significance.